The following is an entry in ClinVar:

ClinVar aggregate classification (germline): Uncertain significance. Review status: criteria provided, multiple submitters, no conflicts (2 of 4 stars). 2 submissions from 2 submitters: Uncertain significance (2). Last evaluated 2024-05-07.

Allele frequency attached by ClinVar (database versions not stated): gnomAD exomes below 0.00001; TOPMed below 0.00001; gnomAD 0.00001.
gnomAD v4.1: 18 of 1,614,136 alleles (0.0011%); highest among the groups gnomAD compares: East Asian, 0.0089%; no homozygotes.

Submissions (2):

Ambry Genetics
Classification: Uncertain significance. Last evaluated: 2024-05-07. Review status: criteria provided, single submitter. Criteria: Ambry Variant Classification Scheme 2023. Collection method: clinical testing. Allele origin: germline.

Labcorp Genetics (formerly Invitae), Labcorp
Classification: Uncertain significance. Last evaluated: 2023-03-04. Review status: criteria provided, single submitter. Criteria: Invitae Variant Classification Sherloc (09022015). Collection method: clinical testing. Allele origin: germline.
Comment: In summary, the available evidence is currently insufficient to determine the role of this variant in disease. Therefore, it has been classified as a Variant of Uncertain Significance. An algorithm developed to predict the effect of missense changes on protein structure and function (PolyPhen-2) suggests that this variant is likely to be disruptive. This variant has not been reported in the literature in individuals affected with FAT2-related conditions. This variant is present in population databases (no rsID available, gnomAD 0.06%). This sequence change replaces serine, which is neutral and polar, with asparagine, which is neutral and polar, at codon 1329 of the FAT2 protein (p.Ser1329Asn).

NM_001447.3(FAT2):c.3986G>A (p.Ser1329Asn)

Genes: FAT2 (FAT atypical cadherin 2; minus strand), SLC36A1 (solute carrier family 36 member 1; plus strand). Cytogenetic location: 5q33.1.
Variant type: single nucleotide variant.
Coding change: c.3986G>A on transcript NM_001447.3 (MANE Select); coding-DNA position 3986, G replaced by A.
Protein change: p.Ser1329Asn; replaces serine 1329 with asparagine.
Molecular consequence: missense variant.
Genome position (GRCh38, 1-based): chr5:151,553,347, C>T on the plus strand (G>A on the coding strand, the complement: FAT2 is on the minus strand). VCF-style: chr5-151553347-C-T. GRCh37 (hg19) VCF-style: chr5-150932908-C-T.
Other names: c.3986G>A (NM_001447.2); short protein forms S1329N.
Identifiers: ClinVar variation 2913327 (VCV002913327.4), dbSNP rs979936162, ClinGen allele CA129970150.